The following is an entry in ClinVar:

ClinVar aggregate classification (germline): Conflicting classifications of pathogenicity. Review status: criteria provided, conflicting classifications (1 of 4 stars). 3 submissions from 3 submitters: Uncertain significance (2); Likely benign (1). Last evaluated 2025-02-07.

Conditions:
Inborn genetic diseases. Identifiers: MedGen C0950123, MeSH D030342.
Charcot-Marie-Tooth disease axonal type 2O. Also called: CHARCOT-MARIE-TOOTH NEUROPATHY, AXONAL, TYPE 2O; CHARCOT-MARIE-TOOTH DISEASE, AXONAL, AUTOSOMAL DOMINANT, TYPE 2O; Charcot-Marie-Tooth disease, axonal, type 20; Charcot-Marie-Tooth Neuropathy Type 2O. Identifiers: Orphanet 284232, MedGen C3280220, MONDO:0013644, OMIM 614228.

Allele frequency attached by ClinVar (database versions not stated): TOPMed below 0.00001; ExAC 0.00001; gnomAD exomes 0.00002.
gnomAD v4.1: 15 of 1,614,200 alleles (0.00093%); highest among the groups gnomAD compares: Non-Finnish European, 0.0013%; no homozygotes.

Submissions (3):

Ambry Genetics
Classification: Uncertain significance for Inborn genetic diseases. Last evaluated: 2025-02-07. Review status: criteria provided, single submitter. Criteria: Ambry Variant Classification Scheme 2023. Collection method: clinical testing. Allele origin: germline.

Labcorp Genetics (formerly Invitae), Labcorp
Classification: Uncertain significance for Charcot-Marie-Tooth disease axonal type 2O. Last evaluated: 2022-04-08. Review status: criteria provided, single submitter. Criteria: Invitae Variant Classification Sherloc (09022015). Collection method: clinical testing. Allele origin: germline.
Comment: In summary, the available evidence is currently insufficient to determine the role of this variant in disease. Therefore, it has been classified as a Variant of Uncertain Significance. Algorithms developed to predict the effect of missense changes on protein structure and function are either unavailable or do not agree on the potential impact of this missense change (SIFT: "Deleterious"; PolyPhen-2: "Benign"; Align-GVGD: "Class C15"). ClinVar contains an entry for this variant (Variation ID: 844942). This variant has not been reported in the literature in individuals affected with DYNC1H1-related conditions. This variant is present in population databases (rs765825369, gnomAD 0.004%). This sequence change replaces lysine, which is basic and polar, with methionine, which is neutral and non-polar, at codon 3266 of the DYNC1H1 protein (p.Lys3266Met).

GeneDx
Classification: Likely benign. Last evaluated: 2020-10-23. Review status: criteria provided, single submitter. Criteria: GeneDx Variant Classification Process June 2021. Collection method: clinical testing. Allele origin: germline. Affected: yes.
Comment: In silico analysis, which includes protein predictors and evolutionary conservation, supports that this variant does not alter protein structure/function; Has not been previously published as pathogenic or benign to our knowledge; Not observed in large population cohorts (Lek et al., 2016)

NM_001376.5(DYNC1H1):c.9797A>T (p.Lys3266Met)

Gene: DYNC1H1 (dynein cytoplasmic 1 heavy chain 1; plus strand). Cytogenetic location: 14q32.31.
Variant type: single nucleotide variant.
Coding change: c.9797A>T on transcript NM_001376.5 (MANE Select); coding-DNA position 9797, A replaced by T.
Protein change: p.Lys3266Met; replaces lysine 3266 with methionine.
Molecular consequence: missense variant.
Genome position (GRCh38, 1-based): chr14:102,030,196, A>T. VCF-style: chr14-102030196-A-T. GRCh37 (hg19) VCF-style: chr14-102496533-A-T.
Other names: short protein forms K3266M.
Identifiers: ClinVar variation 844942 (VCV000844942.13), dbSNP rs765825369, ClinGen allele CA7353303.